The following is an entry in ClinVar:

NM_024529.5(CDC73):c.684G>C (p.Glu228Asp)

Gene: CDC73 (cell division cycle 73; plus strand). Cytogenetic location: 1q31.2.
Variant type: single nucleotide variant.
Coding change: c.684G>C on transcript NM_024529.5 (MANE Select); coding-DNA position 684, G replaced by C.
Protein change: p.Glu228Asp; replaces glutamic acid 228 with aspartic acid.
Molecular consequence: missense variant.
Genome position (GRCh38, 1-based): chr1:193,142,021, G>C. VCF-style: chr1-193142021-G-C. GRCh37 (hg19) VCF-style: chr1-193111151-G-C.
Other names: short protein forms E228D.
Identifiers: ClinVar variation 959182 (VCV000959182.11), dbSNP rs368708158, ClinGen allele CA343962758.

ClinVar aggregate classification (germline): Uncertain significance. Review status: criteria provided, multiple submitters, no conflicts (2 of 4 stars). 2 submissions from 2 submitters: Uncertain significance (2). Last evaluated 2025-09-29.

Conditions:
Hereditary cancer-predisposing syndrome. Also called: Tumor predisposition; Hereditary neoplastic syndrome; Neoplastic Syndromes, Hereditary; Hereditary Cancer Syndrome. Identifiers: Orphanet 140162, MedGen C0027672, MeSH D009386, MONDO:0015356.
Parathyroid carcinoma (PRTC). Also called: CDC73-Related Parathyroid Carcinoma; Parathyroid gland carcinoma. Identifiers: Orphanet 143, MedGen C0687150, MONDO:0012004, OMIM 608266, HP:0006780.

Submissions (2):

Ambry Genetics
Classification: Uncertain significance for Hereditary cancer-predisposing syndrome. Last evaluated: 2025-09-29. Review status: criteria provided, single submitter. Criteria: Ambry Variant Classification Scheme 2023. Collection method: clinical testing. Allele origin: germline.
Comment: The p.E228D variant (also known as c.684G>C), located in coding exon 7 of the CDC73 gene, results from a G to C substitution at nucleotide position 684. The glutamic acid at codon 228 is replaced by aspartic acid, an amino acid with highly similar properties. This amino acid position is highly conserved in available vertebrate species. In addition, this alteration is predicted to be deleterious by in silico analysis. Based on the available evidence, the clinical significance of this variant remains unclear.

Labcorp Genetics (formerly Invitae), Labcorp
Classification: Uncertain significance for Parathyroid carcinoma. Last evaluated: 2019-11-11. Review status: criteria provided, single submitter. Criteria: Invitae Variant Classification Sherloc (09022015). Collection method: clinical testing. Allele origin: germline.
Comment: In summary, the available evidence is currently insufficient to determine the role of this variant in disease. Therefore, it has been classified as a Variant of Uncertain Significance. Algorithms developed to predict the effect of missense changes on protein structure and function are either unavailable or do not agree on the potential impact of this missense change (SIFT: "Tolerated"; PolyPhen-2: "Probably Damaging"; Align-GVGD: "Class C0"). This variant has not been reported in the literature in individuals with CDC73-related conditions. This variant is not present in population databases (ExAC no frequency). This sequence change replaces glutamic acid with aspartic acid at codon 228 of the CDC73 protein (p.Glu228Asp). The glutamic acid residue is highly conserved and there is a small physicochemical difference between glutamic acid and aspartic acid.